The following is an entry in ClinVar:

NC_012920.1(MT-TF):m.647A>G

Gene: MT-TF (mitochondrially encoded tRNA phenylalanine; plus strand).
Variant type: single nucleotide variant.
Genome position: chrM-647-A-G.
Identifiers: ClinVar variation 689832 (VCV000689832.1), dbSNP rs1569483788, ClinGen allele CA913175725.

ClinVar aggregate classification (germline): Benign (1 of 4 stars; one submission).

Conditions:
MELAS syndrome (MELAS). Also called: Juvenile myopathy, encephalopathy, lactic acidosis, stroke. Identifiers: Orphanet 550, MedGen C0162671, MONDO:0010789, OMIM 540000.

Submission:

Wong Mito Lab, Molecular and Human Genetics, Baylor College of Medicine
Classification: Benign for MELAS syndrome. Last evaluated: 2019-07-12. Review status: criteria provided, single submitter. Criteria: Modified ACMG Guidelines (Unpublished). Collection method: clinical testing. Allele origin: germline.
Comment: The NC_012920.1:m.647A>G variant in MT-TF gene is interpreted to be a Benign variant based on the modified ACMG guidelines (unpublished). This variant meets the following evidence codes reported in the guidelines: BS1, BS4, BP4

Literature cited by the submitters: PubMed 31965079.